The following is an entry in ClinVar:

NM_004281.4(BAG3):c.523G>C (p.Ala175Pro)

Gene: BAG3 (BAG cochaperone 3; plus strand). Cytogenetic location: 10q26.11.
Variant type: single nucleotide variant.
Coding change: c.523G>C on transcript NM_004281.4 (MANE Select); coding-DNA position 523, G replaced by C.
Protein change: p.Ala175Pro; replaces alanine 175 with proline.
Molecular consequence: missense variant.
Genome position (GRCh38, 1-based): chr10:119,672,270, G>C. VCF-style: chr10-119672270-G-C. GRCh37 (hg19) VCF-style: chr10-121431782-G-C.
Other names: short protein forms A175P.
Identifiers: ClinVar variation 1746293 (VCV001746293.4), dbSNP rs1365920672, ClinGen allele CA378295264.
Genomic context (GRCh38, chr10:119,672,270, plus strand): 5'-GGAGTCATTTGTGGGGTCATGCCCTCTACCCTGTGTCTCTTGCAGCGGTCCCAGTCTCCA[G>C]CTGCCTCTGACTGCTCATCCTCATCCTCCTCGGCCAGCCTGCCTTCCTCCGGCAGGAGCA-3'
Protein context (NP_004272.2, residues 165-185): SHGPERSQSP[Ala175Pro]ASDCSSSSSS

ClinVar aggregate classification (germline): Uncertain significance. Review status: criteria provided, multiple submitters, no conflicts (2 of 4 stars). 2 submissions from 2 submitters: Uncertain significance (2). Last evaluated 2023-04-12.

Conditions:
Cardiovascular phenotype. Identifiers: MedGen CN230736.

Allele frequency attached by ClinVar (database versions not stated): gnomAD exomes below 0.00001; TOPMed below 0.00001.
gnomAD v4.1: 1 of 1,613,402 alleles (0.000062%); highest among the groups gnomAD compares: Non-Finnish European, 0.000085%; no homozygotes.

Submissions (2):

Revvity Omics, Revvity
Classification: Uncertain significance. Last evaluated: 2023-04-12. Review status: criteria provided, single submitter. Criteria: ACMG Guidelines, 2015. Collection method: clinical testing. Allele origin: germline.

Ambry Genetics
Classification: Uncertain significance for Cardiovascular phenotype. Last evaluated: 2020-12-31. Review status: criteria provided, single submitter. Criteria: Ambry Variant Classification Scheme 2023. Collection method: clinical testing. Allele origin: germline.
Comment: The p.A175P variant (also known as c.523G>C), located in coding exon 3 of the BAG3 gene, results from a G to C substitution at nucleotide position 523. The alanine at codon 175 is replaced by proline, an amino acid with highly similar properties. This amino acid position is well conserved in available vertebrate species. In addition, the in silico prediction for this alteration is inconclusive. Since supporting evidence is limited at this time, the clinical significance of this alteration remains unclear.